The following is an entry in ClinVar:

ClinVar aggregate classification (germline): Uncertain significance. Review status: criteria provided, multiple submitters, no conflicts (2 of 4 stars). 3 submissions from 3 submitters: Uncertain significance (3). Last evaluated 2026-08-28.

Conditions:
Inborn genetic diseases. Identifiers: MedGen C0950123, MeSH D030342.

Submissions (3):

GeneDx
Classification: Uncertain significance. Last evaluated: 2026-08-28. Review status: criteria provided, single submitter. Criteria: GeneDx Variant Classification Process June 2021. Collection method: clinical testing. Allele origin: germline.
Comment: Not observed at significant frequency in large population cohorts (gnomAD); In silico analysis suggests that this missense variant does not alter protein structure/function; Has not been previously published as pathogenic or benign to our knowledge

Ambry Genetics
Classification: Uncertain significance for Inborn genetic diseases. Last evaluated: 2023-11-15. Review status: criteria provided, single submitter. Criteria: Ambry Variant Classification Scheme 2023. Collection method: clinical testing. Allele origin: germline.

Labcorp Genetics (formerly Invitae), Labcorp
Classification: Uncertain significance. Last evaluated: 2022-03-31. Review status: criteria provided, single submitter. Criteria: Invitae Variant Classification Sherloc (09022015). Collection method: clinical testing. Allele origin: germline.
Comment: In summary, the available evidence is currently insufficient to determine the role of this variant in disease. Therefore, it has been classified as a Variant of Uncertain Significance. Algorithms developed to predict the effect of missense changes on protein structure and function output the following: SIFT: "Tolerated"; PolyPhen-2: "Benign"; Align-GVGD: "Class C0". The arginine amino acid residue is found in multiple mammalian species, which suggests that this missense change does not adversely affect protein function. This variant has not been reported in the literature in individuals affected with MTFMT-related conditions. This variant is present in population databases (no rsID available, gnomAD 0.003%). This sequence change replaces histidine, which is basic and polar, with arginine, which is basic and polar, at codon 15 of the MTFMT protein (p.His15Arg).

NM_139242.4(MTFMT):c.44A>G (p.His15Arg)

Gene: MTFMT (mitochondrial methionyl-tRNA formyltransferase; minus strand). Cytogenetic location: 15q22.31.
Variant type: single nucleotide variant.
Coding change: c.44A>G on transcript NM_139242.4 (MANE Select); coding-DNA position 44, A replaced by G.
Protein change: p.His15Arg; replaces histidine 15 with arginine.
Molecular consequence: missense variant.
Genome position (GRCh38, 1-based): chr15:65,029,570, T>C on the plus strand (A>G on the coding strand, the complement: MTFMT is on the minus strand). VCF-style: chr15-65029570-T-C. GRCh37 (hg19) VCF-style: chr15-65321908-T-C.
Other names: c.44A>G (NM_139242.3); short protein forms H15R.
Identifiers: ClinVar variation 2194227 (VCV002194227.6), dbSNP rs935174845, ClinGen allele CA271504845.